The following is an entry in ClinVar:

ClinVar aggregate classification (germline): Uncertain significance (1 of 4 stars; one submission).

Conditions:
Idiopathic generalized epilepsy. Also called: Generalised epilepsy; EIG. Identifiers: MedGen C0270850, MONDO:0005579, OMIM 600669.
Hyperaldosteronism, familial, type IV (HALD4). Also called: FH IV; ALDOSTERONISM, PRIMARY, AND HYPERTENSION. Identifiers: Orphanet 642671, MedGen C4310756, MONDO:0014875, OMIM 617027.

Allele frequency attached by ClinVar (database versions not stated): gnomAD exomes below 0.00001; gnomAD 0.00001.
gnomAD v4.1: 3 of 1,584,718 alleles (0.00019%); highest among the groups gnomAD compares: Non-Finnish European, 0.00026%; no homozygotes.

Submission:

Labcorp Genetics (formerly Invitae), Labcorp
Classification: Uncertain significance for Idiopathic generalized epilepsy; Hyperaldosteronism, familial, type IV. Last evaluated: 2024-02-23. Review status: criteria provided, single submitter. Criteria: Invitae Variant Classification Sherloc (09022015). Collection method: clinical testing. Allele origin: germline.
Comment: This sequence change replaces glycine, which is neutral and non-polar, with glutamic acid, which is acidic and polar, at codon 620 of the CACNA1H protein (p.Gly620Glu). This variant is not present in population databases (gnomAD no frequency). This variant has not been reported in the literature in individuals affected with CACNA1H-related conditions. ClinVar contains an entry for this variant (Variation ID: 1383833). Advanced modeling of protein sequence and biophysical properties (such as structural, functional, and spatial information, amino acid conservation, physicochemical variation, residue mobility, and thermodynamic stability) performed at Invitae indicates that this missense variant is not expected to disrupt CACNA1H protein function with a negative predictive value of 80%. In summary, the available evidence is currently insufficient to determine the role of this variant in disease. Therefore, it has been classified as a Variant of Uncertain Significance.

NM_021098.3(CACNA1H):c.1859G>A (p.Gly620Glu)

Gene: CACNA1H (calcium voltage-gated channel subunit alpha1 H; plus strand). Cytogenetic location: 16p13.3.
Variant type: single nucleotide variant.
Coding change: c.1859G>A on transcript NM_021098.3 (MANE Select); coding-DNA position 1859, G replaced by A.
Protein change: p.Gly620Glu; replaces glycine 620 with glutamic acid.
Molecular consequence: missense variant.
Genome position (GRCh38, 1-based): chr16:1,202,309, G>A. VCF-style: chr16-1202309-G-A. GRCh37 (hg19) VCF-style: chr16-1252309-G-A.
Other names: c.1859G>A, p.Gly620Glu (NM_001005407.2); short protein forms G620E.
Identifiers: ClinVar variation 1383833 (VCV001383833.6), dbSNP rs1428939766, ClinGen allele CA394162735.